The following is an entry in ClinVar:

ClinVar aggregate classification (germline): Uncertain significance (1 of 4 stars; one submission).

Submission:

GeneDx
Classification: Uncertain significance. Last evaluated: 2024-08-06. Review status: criteria provided, single submitter. Criteria: GeneDx Variant Classification Process June 2021. Collection method: clinical testing. Allele origin: germline. Affected: yes.
Comment: Not observed at significant frequency in large population cohorts (gnomAD); In silico analysis indicates that this missense variant does not alter protein structure/function; Has not been previously published as pathogenic or benign to our knowledge

NM_024537.4(CARS2):c.652C>T (p.Pro218Ser)

Gene: CARS2 (cysteinyl-tRNA synthetase 2, mitochondrial; minus strand). Cytogenetic location: 13q34.
Variant type: single nucleotide variant.
Coding change: c.652C>T on transcript NM_024537.4 (MANE Select); coding-DNA position 652, C replaced by T.
Protein change: p.Pro218Ser; replaces proline 218 with serine.
Molecular consequence: missense variant. On other transcripts: 5 prime UTR variant (1), non-coding transcript variant (2).
Genome position (GRCh38, 1-based): chr13:110,683,054, G>A on the plus strand (C>T on the coding strand, the complement: CARS2 is on the minus strand). VCF-style: chr13-110683054-G-A. GRCh37 (hg19) VCF-style: chr13-111335401-G-A.
Other names: c.-135C>T (NM_001352252.2); c.652C>T, p.Pro218Ser (NM_001352253.3); short protein forms P218S.
Identifiers: ClinVar variation 3603104 (VCV003603104.1).